The following is an entry in ClinVar:

ClinVar aggregate classification (germline): Uncertain significance (0 of 4 stars; one submission).

Conditions:
Dystonia 28, childhood-onset (DYT28). Also called: KMT2B-Related Dystonia (DYT-KMT2B). Identifiers: Orphanet 589618, MedGen C4310633, MONDO:0015004, OMIM 617284.

Submission:

Hong-Tao Li Lab, Institute of Brain Science and Brain-inspired Research, Shandong First Medical University & Shandong Academy of Medical Sciences China
Classification: Uncertain significance for Dystonia 28, childhood-onset. Review status: no assertion criteria provided. Collection method: research. Allele origin: germline. Inheritance: Autosomal dominant inheritance. Affected: yes. Observed: 1 variant allele, 1 heterozygote.
Comment: Observed in affected individuals from a Pakistani neurodevelopmental-disorder research cohort of 263 individuals. Classification assigned using the ACMG/AMP framework.

NM_014727.3(KMT2B):c.1213C>T (p.Pro405Ser)

Gene: KMT2B (lysine methyltransferase 2B; plus strand). Cytogenetic location: 19q13.12.
Variant type: single nucleotide variant.
Coding change: c.1213C>T on transcript NM_014727.3 (MANE Select); coding-DNA position 1213, C replaced by T.
Protein change: p.Pro405Ser; replaces proline 405 with serine.
Molecular consequence: missense variant.
Genome position (GRCh38, 1-based): chr19:35,720,560, C>T. VCF-style: chr19-35720560-C-T. GRCh37 (hg19) VCF-style: chr19-36211462-C-T.
Other names: short protein forms P405S.
Identifiers: ClinVar variation 4884791 (VCV004884791.1).